The following is an entry in ClinVar:

ClinVar aggregate classification (germline): Uncertain significance. Review status: criteria provided, multiple submitters, no conflicts (2 of 4 stars). 2 submissions from 2 submitters: Uncertain significance (2). Last evaluated 2025-12-11.

Conditions:
Inborn genetic diseases. Identifiers: MedGen C0950123, MeSH D030342.

gnomAD v4.1: 24 of 1,613,854 alleles (0.0015%); highest among the groups gnomAD compares: East Asian, 0.0022%; no homozygotes.

Submissions (2):

Ambry Genetics
Classification: Uncertain significance for Inborn genetic diseases. Last evaluated: 2025-12-11. Review status: criteria provided, single submitter. Criteria: Ambry Variant Classification Scheme 2023. Collection method: clinical testing. Allele origin: germline.

Labcorp Genetics (formerly Invitae), Labcorp
Classification: Uncertain significance. Last evaluated: 2025-08-20. Review status: criteria provided, single submitter. Criteria: Invitae Variant Classification Sherloc (09022015). Collection method: clinical testing. Allele origin: germline.
Comment: This sequence change replaces arginine, which is basic and polar, with serine, which is neutral and polar, at codon 630 of the DCHS1 protein (p.Arg630Ser). This variant is present in population databases (no rsID available, gnomAD 0.04%). This variant has not been reported in the literature in individuals affected with DCHS1-related conditions. ClinVar contains an entry for this variant (Variation ID: 1504610). Invitae Evidence Modeling of protein sequence and biophysical properties (such as structural, functional, and spatial information, amino acid conservation, physicochemical variation, residue mobility, and thermodynamic stability) indicates that this missense variant is not expected to disrupt DCHS1 protein function with a negative predictive value of 80%. In summary, the available evidence is currently insufficient to determine the role of this variant in disease. Therefore, it has been classified as a Variant of Uncertain Significance.

NM_003737.4(DCHS1):c.1888C>A (p.Arg630Ser)

Gene: DCHS1 (dachsous cadherin-related 1; minus strand). Cytogenetic location: 11p15.4.
Variant type: single nucleotide variant.
Coding change: c.1888C>A on transcript NM_003737.4 (MANE Select); coding-DNA position 1888, C replaced by A.
Protein change: p.Arg630Ser; replaces arginine 630 with serine.
Molecular consequence: missense variant.
Genome position (GRCh38, 1-based): chr11:6,634,216, G>T on the plus strand (C>A on the coding strand, the complement: DCHS1 is on the minus strand). VCF-style: chr11-6634216-G-T. GRCh37 (hg19) VCF-style: chr11-6655447-G-T.
Other names: c.1888C>A (NM_003737.2); short protein forms R630S.
Identifiers: ClinVar variation 1504610 (VCV001504610.7), dbSNP rs574604458, ClinGen allele CA217299695.